The following is an entry in ClinVar:

NM_017802.4(DNAAF5):c.500C>G (p.Ala167Gly)

Genes: DNAAF5 (dynein axonemal assembly factor 5; plus strand), PRKAR1B (protein kinase cAMP-dependent type I regulatory subunit beta; minus strand). Cytogenetic location: 7p22.3.
Variant type: single nucleotide variant.
Coding change: c.500C>G on transcript NM_017802.4 (MANE Select); coding-DNA position 500, C replaced by G.
Protein change: p.Ala167Gly; replaces alanine 167 with glycine.
Molecular consequence: missense variant. On other transcripts: non-coding transcript variant (1), 5 prime UTR variant (1), intron variant (2).
Genome position (GRCh38, 1-based): chr7:727,220, C>G. VCF-style: chr7-727220-C-G. GRCh37 (hg19) VCF-style: chr7-766857-C-G.
Other names: c.-33G>C (NM_001164760.2); c.-23+435G>C (NM_001164759.1); c.-23+370G>C (NM_001164758.2); short protein forms A167G.
Identifiers: ClinVar variation 1380420 (VCV001380420.7), dbSNP rs1391723138, ClinGen allele CA366530876.

ClinVar aggregate classification (germline): Uncertain significance. Review status: criteria provided, multiple submitters, no conflicts (2 of 4 stars). 2 submissions from 2 submitters: Uncertain significance (2). Last evaluated 2025-01-10.

Conditions:
Primary ciliary dyskinesia. Also called: Ciliary dyskinesia. Identifiers: Orphanet 244, MedGen C0008780, MONDO:0016575, HP:0012265.

Allele frequency attached by ClinVar (database versions not stated): gnomAD 0.00005 and 0.00006; TOPMed 0.00005; gnomAD exomes 0.00007 and 0.00010.
gnomAD v4.1: 123 of 1,352,330 alleles (0.0091%); highest among the groups gnomAD compares: Middle Eastern, 0.027%; no homozygotes.

Submissions (2):

Ambry Genetics
Classification: Uncertain significance for Primary ciliary dyskinesia. Last evaluated: 2025-01-10. Review status: criteria provided, single submitter. Criteria: Ambry Variant Classification Scheme 2023. Collection method: clinical testing. Allele origin: germline.

Labcorp Genetics (formerly Invitae), Labcorp
Classification: Uncertain significance for Primary ciliary dyskinesia. Last evaluated: 2021-08-26. Review status: criteria provided, single submitter. Criteria: Invitae Variant Classification Sherloc (09022015). Collection method: clinical testing. Allele origin: germline.
Comment: This sequence change replaces alanine with glycine at codon 167 of the DNAAF5 protein (p.Ala167Gly). The alanine residue is weakly conserved and there is a small physicochemical difference between alanine and glycine. The frequency data for this variant in the population databases is considered unreliable, as metrics indicate insufficient coverage at this position in the ExAC database. This variant has not been reported in the literature in individuals affected with DNAAF5-related conditions. Algorithms developed to predict the effect of missense changes on protein structure and function (SIFT, PolyPhen-2, Align-GVGD) all suggest that this variant is likely to be tolerated. Algorithms developed to predict the effect of sequence changes on RNA splicing suggest that this variant may create or strengthen a splice site. In summary, the available evidence is currently insufficient to determine the role of this variant in disease. Therefore, it has been classified as a Variant of Uncertain Significance.